The following is an entry in ClinVar:

NM_002485.5(NBN):c.2131CAT[3] (p.His712_Ala713insHis)

Gene: NBN (nibrin; minus strand). Cytogenetic location: 8q21.3.
Variant type: Microsatellite.
Coding change: c.2131CAT[3] on transcript NM_002485.5 (MANE Select); three copies in a row of the 3-base unit CAT starting at c.2131; the reference has two copies in a row; one copy, 3 bases duplicated.
Protein change: p.His712_Ala713insHis.
Molecular consequence: inframe insertion.
Genome position (GRCh38, 1-based): chr8:89,943,301-89,943,303, ATG duplicated on the plus strand (CAT on the coding strand, the reverse complement: NBN is on the minus strand); duplicating any 3 consecutive bases within chr8:89,943,301-89,943,307 gives the same sequence; the position shown is the placement nearest the transcript's 3' end. VCF-style (leftmost placement, unchanged base first): chr8-89943300-C-CATG. GRCh37 (hg19) VCF-style: chr8-90955528-C-CATG.
Other names: c.1885CAT[3], p.His630_Ala631insHis (NM_001024688.3, NM_001440379.1, NM_001440380.1).
Identifiers: ClinVar variation 5004564 (VCV005004564.1).

ClinVar aggregate classification (germline): Uncertain significance (1 of 4 stars; one submission).

Conditions:
Microcephaly, normal intelligence and immunodeficiency (NBS). Also called: IMMUNODEFICIENCY, MICROCEPHALY, AND CHROMOSOMAL INSTABILITY; Nijmegen breakage syndrome; Microcephaly with normal intelligence immunodeficiency and lymphoreticular malignancies; Nonsyndromal microcephaly autosomal recessive with normal intelligence; Seemanova syndrome 2; BERLIN BREAKAGE SYNDROME. Identifiers: Orphanet 647, MedGen C0398791, MONDO:0009623, OMIM 251260.

Submission:

Myriad Genetics, Inc.
Classification: Uncertain significance for Microcephaly, normal intelligence and immunodeficiency. Last evaluated: 2026-03-27. Review status: criteria provided, single submitter. Criteria: Myriad Autosomal Dominant, Autosomal Recessive and X-Linked Classification Criteria (2023). Collection method: clinical testing. Allele origin: unknown.
Comment: NM_002485.4(NBN):c.2134_2136dupCAT(H712dup) is an in-frame insertion classified as a variant of uncertain significance in the context of Nijmegen breakage syndrome. H712dup has not been observed in cases with relevant disease. Relevant functional assessments of this variant are not available in the literature. H712dup has not been observed in referenced population frequency databases. In summary, there is insufficient evidence to classify NM_002485.4(NBN):c.2134_2136dupCAT(H712dup) as pathogenic or benign. Please note: this variant was assessed in the context of healthy population screening.